The following is an entry in ClinVar:

NM_005263.5(GFI1):c.63A>G (p.Pro21=)

Gene: GFI1 (growth factor independent 1 transcriptional repressor; minus strand). Cytogenetic location: 1p22.1.
Variant type: single nucleotide variant.
Coding change: c.63A>G on transcript NM_005263.5 (MANE Select); coding-DNA position 63, A replaced by G.
Protein change: p.Pro21=; no amino-acid change (proline 21 retained).
Molecular consequence: synonymous variant.
Genome position (GRCh38, 1-based): chr1:92,483,425, T>C on the plus strand (A>G on the coding strand, the complement: GFI1 is on the minus strand). VCF-style: chr1-92483425-T-C. GRCh37 (hg19) VCF-style: chr1-92948982-T-C.
Other names: p.Pro21=; c.63A>G, p.Pro21= (NM_001127215.3, NM_001127216.3).
Identifiers: ClinVar variation 1168472 (VCV001168472.16), dbSNP rs142779589, ClinGen allele CA951512.

ClinVar aggregate classification (germline): Benign/Likely benign. Review status: criteria provided, multiple submitters, no conflicts (2 of 4 stars). 5 submissions from 5 submitters: Benign (1); Likely benign (4). Last evaluated 2026-01-05.

Conditions:
Neutropenia, severe congenital, 2, autosomal dominant. Identifiers: Orphanet 486, MedGen C2751288, MONDO:0013139, OMIM 613107.

Allele frequency attached by ClinVar (database versions not stated): gnomAD exomes 0.00007 and 0.00021; ExAC 0.00029; ESP Exome Variant Server 0.00062; gnomAD 0.00068 and 0.00070; TOPMed 0.00073; 1000 Genomes Project 30x 0.00172; 1000 Genomes Project 0.00200.
gnomAD v4.1: 213 of 1,613,632 alleles (0.013%); highest among the groups gnomAD compares: African/African-American, 0.25%; 1 homozygote.

Submissions (5):

Labcorp Genetics (formerly Invitae), Labcorp
Classification: Benign for Neutropenia, severe congenital, 2, autosomal dominant. Last evaluated: 2026-01-05. Review status: criteria provided, single submitter. Criteria: Invitae Variant Classification Sherloc (09022015). Collection method: clinical testing. Allele origin: germline.

Mayo Clinic Laboratories, Mayo Clinic
Classification: Likely benign. Last evaluated: 2025-05-19. Review status: criteria provided, single submitter. Criteria: ACMG Guidelines, 2015. Collection method: clinical testing. Allele origin: germline. Observed: 1 variant allele.
Comment: BP4, BP7

Ambry Genetics
Classification: Likely benign. Last evaluated: 2024-11-17. Review status: criteria provided, single submitter. Criteria: Ambry Variant Classification Scheme 2023. Collection method: clinical testing. Allele origin: germline.

Blueprint Genetics
Classification: Likely benign. Last evaluated: 2024-03-11. Review status: criteria provided, single submitter. Criteria: ACMG Guidelines, 2015. Collection method: clinical testing. Allele origin: germline.

Genetic Services Laboratory, University of Chicago
Classification: Likely benign. Last evaluated: 2019-08-26. Review status: criteria provided, single submitter. Criteria: ACMG Guidelines, 2015. Collection method: clinical testing. Allele origin: germline. Affected: no.